The following is an entry in ClinVar:

ClinVar aggregate classification (germline): Uncertain significance (1 of 4 stars; one submission).

Allele frequency attached by ClinVar (database versions not stated): gnomAD exomes below 0.00001; TOPMed below 0.00001.
gnomAD v4.1: 2 of 1,614,180 alleles (0.00012%); highest among the groups gnomAD compares: Non-Finnish European, 0.00017%; no homozygotes.

Submission:

Labcorp Genetics (formerly Invitae), Labcorp
Classification: Uncertain significance. Last evaluated: 2023-01-12. Review status: criteria provided, single submitter. Criteria: Invitae Variant Classification Sherloc (09022015). Collection method: clinical testing. Allele origin: germline.
Comment: This sequence change replaces isoleucine, which is neutral and non-polar, with valine, which is neutral and non-polar, at codon 878 of the DSCAML1 protein (p.Ile878Val). This variant is not present in population databases (gnomAD no frequency). This variant has not been reported in the literature in individuals affected with DSCAML1-related conditions. Algorithms developed to predict the effect of missense changes on protein structure and function (SIFT, PolyPhen-2, Align-GVGD) all suggest that this variant is likely to be disruptive. In summary, the available evidence is currently insufficient to determine the role of this variant in disease. Therefore, it has been classified as a Variant of Uncertain Significance.

NM_020693.4(DSCAML1):c.2452A>G (p.Ile818Val)

Gene: DSCAML1 (DS cell adhesion molecule like 1; minus strand). Cytogenetic location: 11q23.3.
Variant type: single nucleotide variant.
Coding change: c.2452A>G on transcript NM_020693.4 (MANE Select); coding-DNA position 2452, A replaced by G.
Protein change: p.Ile818Val; replaces isoleucine 818 with valine.
Molecular consequence: missense variant.
Genome position (GRCh38, 1-based): chr11:117,482,070, T>C on the plus strand (A>G on the coding strand, the complement: DSCAML1 is on the minus strand). VCF-style: chr11-117482070-T-C. GRCh37 (hg19) VCF-style: chr11-117352785-T-C.
Other names: c.2452A>G, p.Ile818Val (NM_001367904.1); short protein forms I818V.
Identifiers: ClinVar variation 3001828 (VCV003001828.3), dbSNP rs2048936449, ClinGen allele CA382748095.